The following is an entry in ClinVar:

NM_000070.3(CAPN3):c.555C>G (p.Tyr185Ter)

Gene: CAPN3 (calpain 3; plus strand). Cytogenetic location: 15q15.1.
Variant type: single nucleotide variant.
Coding change: c.555C>G on transcript NM_000070.3 (MANE Select); coding-DNA position 555, C replaced by G.
Protein change: p.Tyr185Ter; replaces tyrosine 185 with a stop codon.
Molecular consequence: nonsense.
Genome position (GRCh38, 1-based): chr15:42,387,809, C>G. VCF-style: chr15-42387809-C-G. GRCh37 (hg19) VCF-style: chr15-42680007-C-G.
Other names: c.555C>G, p.Tyr185Ter (NM_024344.2, NM_173087.2); c.294C>G, p.Tyr98Ter (NM_212464.2); c.*248C>G (NM_212467.2); short protein forms Y185*, Y98*.
Identifiers: ClinVar variation 1726066 (VCV001726066.2), dbSNP rs763449646, ClinGen allele CA7511055.
Genomic context (GRCh38, chr15:42,387,809, plus strand): 5'-GCAGTTCTGGCGCTATGGAGAGTGGGTGGACGTGGTTATAGATGACTGCCTGCCAACGTA[C>G]AACAATCAACTGGTTTTCACCAAGTCCAACCACCGCAATGAGTTCTGGAGTGCTCTGCTG-3'

ClinVar aggregate classification (germline): Likely pathogenic (1 of 4 stars; one submission).

Conditions:
Autosomal recessive limb-girdle muscular dystrophy type 2A (LGMDR1). Also called: LEYDEN-MOEBIUS MUSCULAR DYSTROPHY; MUSCULAR DYSTROPHY, PELVOFEMORAL; Limb-girdle muscular dystrophy, type 2A; Calpainopathy; Muscular dystrophy, limb-girdle, type 2A, Amish. Identifiers: Orphanet 267, MedGen C1869123, MONDO:0009675, OMIM 253600. Disease mechanism: loss of function.

gnomAD v4.1: 2 of 1,614,046 alleles (0.00012%); highest among the groups gnomAD compares: African/African-American, 0.0027%; no homozygotes.

Submission:

Myriad Genetics, Inc.
Classification: Likely pathogenic for Autosomal recessive limb-girdle muscular dystrophy type 2A. Last evaluated: 2022-05-17. Review status: criteria provided, single submitter. Criteria: Myriad Women's Health Autosomal Recessive and X-Linked Classification Criteria (2021). Collection method: clinical testing. Allele origin: unknown.
Comment: NM_000070.2(CAPN3):c.555C>G(Y185*) is expected to be pathogenic in the context of calpainopathy. This variant is predicted to lead to an abnormal or absent protein product due to the creation of a premature termination codon in CAPN3, a gene where loss-of-function variants are known to be pathogenic. Please note: this variant was assessed in the context of healthy population screening.